The following is an entry in ClinVar:

NM_020184.4(CNNM4):c.1903G>A (p.Ala635Thr)

Gene: CNNM4 (cyclin and CBS domain divalent metal cation transport mediator 4; plus strand). Cytogenetic location: 2q11.2.
Variant type: single nucleotide variant.
Coding change: c.1903G>A on transcript NM_020184.4 (MANE Select); coding-DNA position 1903, G replaced by A.
Protein change: p.Ala635Thr; replaces alanine 635 with threonine.
Molecular consequence: missense variant.
Genome position (GRCh38, 1-based): chr2:96,799,603, G>A. VCF-style: chr2-96799603-G-A. GRCh37 (hg19) VCF-style: chr2-97465340-G-A.
Other names: short protein forms A635T.
Identifiers: ClinVar variation 858330 (VCV000858330.8), dbSNP rs202126569, ClinGen allele CA1783510.

ClinVar aggregate classification (germline): Uncertain significance. Review status: criteria provided, multiple submitters, no conflicts (2 of 4 stars). 4 submissions from 4 submitters: Uncertain significance (4). Last evaluated 2026-04-10.

Conditions:
Inborn genetic diseases. Identifiers: MedGen C0950123, MeSH D030342.
CNNM4-related disorder. Also called: CNNM4-related condition.

Allele frequency attached by ClinVar (database versions not stated): gnomAD 0.00046 and 0.00055; 1000 Genomes Project 30x 0.00078; TOPMed 0.00101; ExAC 0.00005; gnomAD exomes 0.00007 and 0.00014; ESP Exome Variant Server 0.00008; 1000 Genomes Project 0.00040.

Submissions (4):

PreventionGenetics, part of Exact Sciences
Classification: Uncertain significance for CNNM4-related condition. Last evaluated: 2026-04-10. Review status: criteria provided, single submitter. Criteria: ACMG Guidelines, 2015. Collection method: clinical testing. Allele origin: germline.
Comment: The CNNM4 c.1903G>A variant is predicted to result in the amino acid substitution p.Ala635Thr. To our knowledge, this variant has not been reported in the literature. This variant is present in 0.092% of alleles in individuals of Latino descent in gnomAD, which may be too common to be an unreported cause of disease. Although we suspect that this variant may be benign, at this time, the clinical significance of this variant is uncertain due to the absence of conclusive functional and genetic evidence.

Ambry Genetics
Classification: Uncertain significance for Inborn genetic diseases. Last evaluated: 2024-10-07. Review status: criteria provided, single submitter. Criteria: Ambry Variant Classification Scheme 2023. Collection method: clinical testing. Allele origin: germline.

Blueprint Genetics
Classification: Uncertain significance. Last evaluated: 2024-06-04. Review status: criteria provided, single submitter. Criteria: ACMG Guidelines, 2015. Collection method: clinical testing. Allele origin: germline.

Labcorp Genetics (formerly Invitae), Labcorp
Classification: Uncertain significance. Last evaluated: 2022-10-04. Review status: criteria provided, single submitter. Criteria: Invitae Variant Classification Sherloc (09022015). Collection method: clinical testing. Allele origin: germline.
Comment: This sequence change replaces alanine, which is neutral and non-polar, with threonine, which is neutral and polar, at codon 635 of the CNNM4 protein (p.Ala635Thr). This variant is present in population databases (rs202126569, gnomAD 0.09%). This variant has not been reported in the literature in individuals affected with CNNM4-related conditions. ClinVar contains an entry for this variant (Variation ID: 858330). Advanced modeling of protein sequence and biophysical properties (such as structural, functional, and spatial information, amino acid conservation, physicochemical variation, residue mobility, and thermodynamic stability) performed at Invitae indicates that this missense variant is expected to disrupt CNNM4 protein function. In summary, the available evidence is currently insufficient to determine the role of this variant in disease. Therefore, it has been classified as a Variant of Uncertain Significance.